The following is an entry in ClinVar:

ClinVar aggregate classification (germline): Pathogenic. Review status: criteria provided, multiple submitters, no conflicts (2 of 4 stars). 2 submissions from 2 submitters: Pathogenic (2). Last evaluated 2025-02-27.

Conditions:
Holoprosencephaly 3 (HPE3). Identifiers: Orphanet 2162, MedGen C1840529, MONDO:0007733, OMIM 142945.

Submissions (2):

Laboratory of Molecular Genetics, CHU Rennes
Classification: Pathogenic for Holoprosencephaly 3. Last evaluated: 2025-02-27. Review status: criteria provided, single submitter. Criteria: ACMG Guidelines, 2015. Collection method: clinical testing. Allele origin: de novo. Inheritance: Autosomal dominant inheritance. Affected: yes.
Comment: The NM_000193.4:c.423C>A, is a nonsense variant in SHH which is predicted to result in a premature stop codon at position 141, and likely results in an absent or disrupted protein product (PVS1). This variant This variant occurred de novo (PS2). This variant is not present in gnomAD (PM2). In summary, this variant meets criteria to be classified as pathogenic for holoprosencephaly based on the ACMG criteria applied.

GeneDx
Classification: Pathogenic. Last evaluated: 2015-04-03. Review status: criteria provided, single submitter. Criteria: GeneDx Variant Classification (06012015). Collection method: clinical testing. Allele origin: germline. Affected: yes.
Comment: The Y141X nonsense variant in the SHH gene is predicted to cause loss of normal proteinfunction either through protein truncation or nonsense-mediated mRNA decay. Although this variant has not been reported previously to our knowledge, other nonsense variants in the SHH gene have been reported in association with holoprosencephaly (Stenson et al.,2014). Therefore, Y141X is considered a pathogenic variant.

NM_000193.4(SHH):c.423C>A (p.Tyr141Ter)

Gene: SHH (sonic hedgehog signaling molecule; minus strand). Cytogenetic location: 7q36.3.
Variant type: single nucleotide variant.
Coding change: c.423C>A on transcript NM_000193.4 (MANE Select); coding-DNA position 423, C replaced by A.
Protein change: p.Tyr141Ter; replaces tyrosine 141 with a stop codon.
Molecular consequence: nonsense. On other transcripts: non-coding transcript variant (2).
Genome position (GRCh38, 1-based): chr7:155,806,435, G>T on the plus strand (C>A on the coding strand, the complement: SHH is on the minus strand). VCF-style: chr7-155806435-G-T. GRCh37 (hg19) VCF-style: chr7-155599129-G-T.
Other names: c.162C>A, p.Tyr54Ter (NM_001310462.2); short protein forms Y141*, Y54*.
Identifiers: ClinVar variation 379347 (VCV000379347.3), dbSNP rs763132615, ClinGen allele CA16605097.